The following is an entry in ClinVar:

NM_006231.4(POLE):c.-3T>A

Genes: POLE (DNA polymerase epsilon, catalytic subunit; minus strand), LOC130009266 (ATAC-STARR-seq lymphoblastoid silent region 5123; plus strand). Cytogenetic location: 12q24.33.
Variant type: single nucleotide variant.
Coding change: c.-3T>A on transcript NM_006231.4 (MANE Select); 3 bases upstream of the start codon, T replaced by A.
Molecular consequence: 5 prime UTR variant.
Genome position (GRCh38, 1-based): chr12:132,687,318, A>T on the plus strand (T>A on the coding strand, the complement: POLE is on the minus strand). VCF-style: chr12-132687318-A-T. GRCh37 (hg19) VCF-style: chr12-133263904-A-T.
Identifiers: ClinVar variation 4671357 (VCV004671357.1).

ClinVar aggregate classification (germline): Uncertain significance (1 of 4 stars; one submission).

Conditions:
Hereditary cancer-predisposing syndrome. Also called: Neoplastic Syndromes, Hereditary; Tumor predisposition; Hereditary Cancer Syndrome; Hereditary neoplastic syndrome. Identifiers: Orphanet 140162, MedGen C0027672, MeSH D009386, MONDO:0015356.

gnomAD v4.1: 1 of 1,499,444 alleles (0.000067%); no homozygotes.

Submission:

Ambry Genetics
Classification: Uncertain significance for Hereditary cancer-predisposing syndrome. Last evaluated: 2025-09-17. Review status: criteria provided, single submitter. Criteria: Ambry Variant Classification Scheme 2023. Collection method: clinical testing. Allele origin: germline.
Comment: The c.-3T>A variant is located in the 5' untranslated region (5&rsquo; UTR) of the POLE gene. This variant results from a T to A substitution 3 bases upstream from the first translated codon. This nucleotide position is poorly conserved in available vertebrate species. Based on the available evidence, the clinical significance of this variant remains unclear.